The following is an entry in ClinVar:

ClinVar aggregate classification (germline): Pathogenic/Likely pathogenic. Review status: criteria provided, multiple submitters, no conflicts (2 of 4 stars). 3 submissions from 3 submitters: Pathogenic (1); Likely pathogenic (2). Last evaluated 2024-05-31.

Conditions:
Mitochondrial DNA depletion syndrome 6 (hepatocerebral type). Also called: Navajo neurohepatopathy; Mitochondrial DNA depletion syndrome type 6; NAVAJO NEUROPATHY. Identifiers: Orphanet 255229, MedGen C1850406, MONDO:0009747, OMIM 256810.
Charcot-Marie-Tooth disease, axonal, type 2EE. Also called: CHARCOT-MARIE-TOOTH NEUROPATHY, TYPE 2EE. Identifiers: MedGen C5193076, MONDO:0032728, OMIM 618400.

gnomAD v4.1: 2 of 1,614,026 alleles (0.00012%); highest among the groups gnomAD compares: Non-Finnish European, 0.00017%; no homozygotes.

Submissions (3):

Fulgent Genetics
Classification: Likely pathogenic for Mitochondrial DNA depletion syndrome 6 (hepatocerebral type); Charcot-Marie-Tooth disease, axonal, type 2EE. Last evaluated: 2024-05-31. Review status: criteria provided, single submitter. Criteria: ACMG Guidelines, 2015. Collection method: clinical testing. Allele origin: germline.

Baylor Genetics
Classification: Likely pathogenic for Charcot-Marie-Tooth disease, axonal, type 2EE. Last evaluated: 2022-12-24. Review status: criteria provided, single submitter. Criteria: ACMG Guidelines, 2015. Collection method: clinical testing. Allele origin: unknown.

Labcorp Genetics (formerly Invitae), Labcorp
Classification: Pathogenic. Last evaluated: 2022-12-23. Review status: criteria provided, single submitter. Criteria: Invitae Variant Classification Sherloc (09022015). Collection method: clinical testing. Allele origin: germline.
Comment: ClinVar contains an entry for this variant (Variation ID: 1451738). This sequence change creates a premature translational stop signal (p.Tyr135*) in the MPV17 gene. It is expected to result in an absent or disrupted protein product. Loss-of-function variants in MPV17 are known to be pathogenic (PMID: 23714749). This variant is not present in population databases (gnomAD no frequency). This variant has not been reported in the literature in individuals affected with MPV17-related conditions. For these reasons, this variant has been classified as Pathogenic.

Literature cited by the submitters: PubMed 23714749 (cited by Labcorp Genetics (formerly Invitae), Labcorp).

NM_002437.5(MPV17):c.405C>A (p.Tyr135Ter)

Gene: MPV17 (mitochondrial inner membrane protein MPV17; minus strand). Cytogenetic location: 2p23.3.
Variant type: single nucleotide variant.
Coding change: c.405C>A on transcript NM_002437.5 (MANE Select); coding-DNA position 405, C replaced by A.
Protein change: p.Tyr135Ter; replaces tyrosine 135 with a stop codon.
Molecular consequence: nonsense.
Genome position (GRCh38, 1-based): chr2:27,312,217, G>T on the plus strand (C>A on the coding strand, the complement: MPV17 is on the minus strand). VCF-style: chr2-27312217-G-T. GRCh37 (hg19) VCF-style: chr2-27535085-G-T.
Other names: short protein forms Y135*.
Identifiers: ClinVar variation 1451738 (VCV001451738.8), dbSNP rs774833271, ClinGen allele CA44517777.